The following is an entry in ClinVar:

NM_024741.3(ZNF408):c.328G>A (p.Glu110Lys)

Gene: ZNF408 (zinc finger protein 408; plus strand). Cytogenetic location: 11p11.2.
Variant type: single nucleotide variant.
Coding change: c.328G>A on transcript NM_024741.3 (MANE Select); coding-DNA position 328, G replaced by A.
Protein change: p.Glu110Lys; replaces glutamic acid 110 with lysine.
Molecular consequence: missense variant.
Genome position (GRCh38, 1-based): chr11:46,701,674, G>A. VCF-style: chr11-46701674-G-A. GRCh37 (hg19) VCF-style: chr11-46723224-G-A.
Other names: c.304G>A, p.Glu102Lys (NM_001184751.2); short protein forms E110K, E102K.
Identifiers: ClinVar variation 4703052 (VCV004703052.1).

ClinVar aggregate classification (germline): Uncertain significance (1 of 4 stars; one submission).

Submission:

Labcorp Genetics (formerly Invitae), Labcorp
Classification: Uncertain significance. Last evaluated: 2026-01-23. Review status: criteria provided, single submitter. Criteria: Invitae Variant Classification Sherloc (09022015). Collection method: clinical testing. Allele origin: germline.
Comment: This sequence change replaces glutamic acid, which is acidic and polar, with lysine, which is basic and polar, at codon 110 of the ZNF408 protein (p.Glu110Lys). This variant is not present in population databases (gnomAD no frequency). This variant has not been reported in the literature in individuals affected with ZNF408-related conditions. An algorithm developed to predict the effect of missense changes on protein structure and function outputs the following: PolyPhen-2: "Benign". The lysine amino acid residue is found in multiple mammalian species, which suggests that this missense change does not adversely affect protein function. In summary, the available evidence is currently insufficient to determine the role of this variant in disease. Therefore, it has been classified as a Variant of Uncertain Significance.